The following is an entry in ClinVar:

ClinVar aggregate classification (germline): Benign/Likely benign. Review status: criteria provided, multiple submitters, no conflicts (2 of 4 stars). 4 submissions from 4 submitters: Benign (1); Likely benign (2). 1 of the submissions does not count toward it. Last evaluated 2026-02-01.

Conditions:
Pendred syndrome (PDS). Also called: DEAFNESS WITH GOITER; GOITER-DEAFNESS SYNDROME; HYPOTHYROIDISM, CONGENITAL, DUE TO DYSHORMONOGENESIS, 2B; THYROID DYSHORMONOGENESIS 2B; THYROID HORMONOGENESIS, GENETIC DEFECT IN, 2B; Pendred Syndrome (PDS). Identifiers: Orphanet 705, MedGen C0271829, MONDO:0010134, OMIM 274600.

Allele frequency attached by ClinVar (database versions not stated): gnomAD 0.00026 and 0.00037; TOPMed 0.00061; ExAC 0.00092; gnomAD exomes 0.00093; 1000 Genomes Project 0.00140; 1000 Genomes Project 30x 0.00156.

Submissions (4):

CeGaT Center for Human Genetics Tuebingen
Classification: Likely benign. Last evaluated: 2026-02-01. Review status: criteria provided, single submitter. Criteria: CeGaT Center For Human Genetics Tuebingen Variant Classification Criteria Version 2. Collection method: clinical testing. Allele origin: germline. Affected: yes. Observed: 1 variant allele.
Comment: SLC26A4: BS1

Labcorp Genetics (formerly Invitae), Labcorp
Classification: Benign. Last evaluated: 2023-09-21. Review status: criteria provided, single submitter. Criteria: Invitae Variant Classification Sherloc (09022015). Collection method: clinical testing. Allele origin: germline.

GeneDx
Classification: Likely benign. Last evaluated: 2018-11-23. Review status: criteria provided, single submitter. Criteria: GeneDx Variant Classification Process June 2021. Collection method: clinical testing. Allele origin: germline. Affected: yes.
Comment: This variant is associated with the following publications: (PMID: 30245029, 23185506, 25262649)

Natera, Inc.
Classification: Benign for Pendred syndrome. Last evaluated: 2019-11-11. Review status: no assertion criteria provided. Collection method: clinical testing. Allele origin: germline. Not counted in ClinVar's aggregate classification.

NM_000441.2(SLC26A4):c.2236-25T>A

Gene: SLC26A4 (solute carrier family 26 member 4; plus strand). Cytogenetic location: 7q22.3.
Variant type: single nucleotide variant.
Coding change: c.2236-25T>A on transcript NM_000441.2 (MANE Select); 25 bases into the intron before coding-DNA position 2236, T replaced by A.
Molecular consequence: intron variant.
Genome position (GRCh38, 1-based): chr7:107,712,514, T>A. VCF-style: chr7-107712514-T-A. GRCh37 (hg19) VCF-style: chr7-107352959-T-A.
Identifiers: ClinVar variation 1165813 (VCV001165813.16), dbSNP rs2301634, ClinGen allele CA4433097.